The following is an entry in ClinVar:

ClinVar aggregate classification (germline): Likely benign (0 of 4 stars; one submission).

Conditions:
IFT172-related disorder. Also called: IFT172-related condition; IFT172-related disorders.

Allele frequency attached by ClinVar (database versions not stated): gnomAD 0.00001; TOPMed 0.00002.
gnomAD v4.1: 1 of 1,614,068 alleles (0.000062%); highest among the groups gnomAD compares: African/African-American, 0.0013%; no homozygotes.

Submission:

PreventionGenetics, part of Exact Sciences
Classification: Likely benign for IFT172-related condition. Last evaluated: 2022-08-09. Review status: no assertion criteria provided. Collection method: clinical testing. Allele origin: germline.
Comment: This variant is classified as likely benign based on ACMG/AMP sequence variant interpretation guidelines (Richards et al. 2015 PMID: 25741868, with internal and published modifications).

NM_015662.3(IFT172):c.3069C>T (p.His1023=)

Gene: IFT172 (intraflagellar transport 172; minus strand). Cytogenetic location: 2p23.3.
Variant type: single nucleotide variant.
Coding change: c.3069C>T on transcript NM_015662.3 (MANE Select); coding-DNA position 3069, C replaced by T.
Protein change: p.His1023=; no amino-acid change (histidine 1023 retained).
Molecular consequence: synonymous variant.
Genome position (GRCh38, 1-based): chr2:27,457,883, G>A on the plus strand (C>T on the coding strand, the complement: IFT172 is on the minus strand). VCF-style: chr2-27457883-G-A. GRCh37 (hg19) VCF-style: chr2-27680750-G-A.
Other names: c.3003C>T, p.His1001= (NM_001410739.1).
Identifiers: ClinVar variation 3033007 (VCV003033007.2), dbSNP rs753725281, ClinGen allele CA1580091.